The following is an entry in ClinVar:

NM_005591.4(MRE11):c.379G>A (p.Gly127Ser)

Gene: MRE11 (MRE11 double strand break repair nuclease; minus strand). Cytogenetic location: 11q21.
Variant type: single nucleotide variant.
Coding change: c.379G>A on transcript NM_005591.4 (MANE Select); coding-DNA position 379, G replaced by A.
Protein change: p.Gly127Ser; replaces glycine 127 with serine.
Molecular consequence: missense variant.
Genome position (GRCh38, 1-based): chr11:94,479,697, C>T on the plus strand (G>A on the coding strand, the complement: MRE11 is on the minus strand). VCF-style: chr11-94479697-C-T. GRCh37 (hg19) VCF-style: chr11-94212863-C-T.
Other names: c.379G>A, p.Gly127Ser (NM_001330347.2, NM_005590.4); short protein forms G127S.
Identifiers: ClinVar variation 2565903 (VCV002565903.2), dbSNP rs2135090932, ClinGen allele CA382378334.
Genomic context (GRCh38, chr11:94,479,697, plus strand): 5'-CCAAAATTCCAACAAACTCTAAGAAAACAATAATTACCCCTGTGGGATCGTCATGATTGC[C>T]ATGAATACTAAACACTGGAATTGAAATGTTGAGGTTGCCATCTTGATAGTTCACCCATGG-3'
Protein context (NP_005582.1, residues 117-137): NISIPVFSIH[Gly127Ser]NHDDPTGADA

ClinVar aggregate classification (germline): Uncertain significance (1 of 4 stars; one submission).

Conditions:
Hereditary cancer-predisposing syndrome. Also called: Neoplastic Syndromes, Hereditary; Hereditary Cancer Syndrome; Hereditary neoplastic syndrome; Tumor predisposition. Identifiers: Orphanet 140162, MedGen C0027672, MeSH D009386, MONDO:0015356.

Submission:

Ambry Genetics
Classification: Uncertain significance for Hereditary cancer-predisposing syndrome. Last evaluated: 2023-05-03. Review status: criteria provided, single submitter. Criteria: Ambry Variant Classification Scheme 2023. Collection method: clinical testing. Allele origin: germline.
Comment: The p.G127S variant (also known as c.379G>A), located in coding exon 4 of the MRE11A gene, results from a G to A substitution at nucleotide position 379. The glycine at codon 127 is replaced by serine, an amino acid with similar properties. This amino acid position is conserved. In addition, this alteration is predicted to be deleterious by in silico analysis. Since supporting evidence is limited at this time, the clinical significance of this alteration remains unclear.